The following is an entry in ClinVar:

NM_021072.4(HCN1):c.1377+19834C>T

Gene: HCN1 (hyperpolarization activated cyclic nucleotide gated potassium channel 1; minus strand). Cytogenetic location: 5p12.
Variant type: single nucleotide variant.
Coding change: c.1377+19834C>T on transcript NM_021072.4 (MANE Select); 19834 bases into the intron after coding-DNA position 1377, C replaced by T.
Molecular consequence: intron variant.
Genome position (GRCh38, 1-based): chr5:45,333,266, G>A on the plus strand (C>T on the coding strand, the complement: HCN1 is on the minus strand). VCF-style: chr5-45333266-G-A. GRCh37 (hg19) VCF-style: chr5-45333368-G-A.
Identifiers: ClinVar variation 1679655 (VCV001679655.5), dbSNP rs761223261, ClinGen allele CA811048759.

ClinVar aggregate classification (germline): Uncertain significance (1 of 4 stars; one submission).

Conditions:
Generalized epilepsy with febrile seizures plus, type 10. Also called: GEFS+, TYPE 10. Identifiers: MedGen C5193120, MONDO:0032777, OMIM 618482.
Developmental and epileptic encephalopathy, 24 (DEE24). Also called: Epileptic encephalopathy, early infantile, 24. Identifiers: Orphanet 442835, MedGen C4014531, MONDO:0014377, OMIM 615871.

Submission:

New York Genome Center
Classification: Uncertain significance for Generalized epilepsy with febrile seizures plus, type 10; Developmental and epileptic encephalopathy, 24. Last evaluated: 2021-05-24. Review status: criteria provided, single submitter. Criteria: NYGC Assertion Criteria 2020. Collection method: clinical testing. Allele origin: de novo. Observed: 1 heterozygote. Study: CSER-NYCKidSeq.